The following is an entry in ClinVar:

ClinVar aggregate classification (germline): Uncertain significance (1 of 4 stars; one submission).

Conditions:
Intellectual developmental disorder, autosomal dominant 1. Also called: MBD5 Haploinsufficiency; Intellectual disability, autosomal dominant 1. Identifiers: Orphanet 228402, MedGen C1969562, MONDO:0007974, OMIM 156200.

gnomAD v4.1: 1 of 1,613,840 alleles (0.000062%); highest among the groups gnomAD compares: African/African-American, 0.0013%; no homozygotes.

Submission:

Labcorp Genetics (formerly Invitae), Labcorp
Classification: Uncertain significance for Intellectual developmental disorder, autosomal dominant 1. Last evaluated: 2024-12-15. Review status: criteria provided, single submitter. Criteria: Invitae Variant Classification Sherloc (09022015). Collection method: clinical testing. Allele origin: germline.
Comment: This sequence change replaces threonine, which is neutral and polar, with alanine, which is neutral and non-polar, at codon 319 of the MBD5 protein (p.Thr319Ala). This variant is not present in population databases (gnomAD no frequency). This variant has not been reported in the literature in individuals affected with MBD5-related conditions. Invitae Evidence Modeling of protein sequence and biophysical properties (such as structural, functional, and spatial information, amino acid conservation, physicochemical variation, residue mobility, and thermodynamic stability) indicates that this missense variant is not expected to disrupt MBD5 protein function with a negative predictive value of 80%. In summary, the available evidence is currently insufficient to determine the role of this variant in disease. Therefore, it has been classified as a Variant of Uncertain Significance.

NM_001378120.1(MBD5):c.955A>G (p.Thr319Ala)

Gene: MBD5 (methyl-CpG binding domain protein 5; plus strand). Cytogenetic location: 2q23.1.
Variant type: single nucleotide variant.
Coding change: c.955A>G on transcript NM_001378120.1 (MANE Select); coding-DNA position 955, A replaced by G.
Protein change: p.Thr319Ala; replaces threonine 319 with alanine.
Molecular consequence: missense variant.
Genome position (GRCh38, 1-based): chr2:148,468,898, A>G. VCF-style: chr2-148468898-A-G. GRCh37 (hg19) VCF-style: chr2-149226467-A-G.
Other names: c.955A>G, p.Thr319Ala (NM_018328.5); short protein forms T319A.
Identifiers: ClinVar variation 3670440 (VCV003670440.2).